The following is an entry in ClinVar:

ClinVar aggregate classification (germline): Uncertain significance (1 of 4 stars; one submission).

Submission:

Ambry Genetics
Classification: Uncertain significance. Last evaluated: 2022-07-28. Review status: criteria provided, single submitter. Criteria: Ambry Variant Classification Scheme 2023. Collection method: clinical testing. Allele origin: germline.
Comment: The p.D362H variant (also known as c.1084G>C), located in coding exon 12 of the NPAT gene, results from a G to C substitution at nucleotide position 1084. The aspartic acid at codon 362 is replaced by histidine, an amino acid with similar properties. This amino acid position is conserved. In addition, this alteration is predicted to be tolerated by in silico analysis. Since supporting evidence is limited at this time, the clinical significance of this alteration remains unclear.

NM_002519.3(NPAT):c.1084G>C (p.Asp362His)

Gene: NPAT (nuclear protein, coactivator of histone transcription; minus strand). Cytogenetic location: 11q22.3.
Variant type: single nucleotide variant.
Coding change: c.1084G>C on transcript NM_002519.3 (MANE Select); coding-DNA position 1084, G replaced by C.
Protein change: p.Asp362His; replaces aspartic acid 362 with histidine.
Molecular consequence: missense variant.
Genome position (GRCh38, 1-based): chr11:108,176,294, C>G on the plus strand (G>C on the coding strand, the complement: NPAT is on the minus strand). VCF-style: chr11-108176294-C-G. GRCh37 (hg19) VCF-style: chr11-108047021-C-G.
Other names: c.1084G>C, p.Asp362His (NM_001321307.1); short protein forms D362H.
Identifiers: ClinVar variation 1787334 (VCV001787334.2), dbSNP rs767879280, ClinGen allele CA382516795.
Genomic context (GRCh38, chr11:108,176,294, plus strand): 5'-TTAAATTCTTACCAGATTCTTCTGTTTCAAAAGAACCTTTAACTGCTAGATTAGTTTCAT[C>G]TGCTAAGACTATACTGGGATTGGATTCCATAGGTTGACTGGAAATACTTTGTGATATATT-3'
Protein context (NP_002510.2, residues 352-372): MESNPSIVLA[Asp362His]ETNLAVKGSF